The following is an entry in ClinVar:

NM_020975.6(RET):c.2726G>A (p.Ser909Asn)

Gene: RET (ret proto-oncogene; plus strand). Cytogenetic location: 10q11.21.
Variant type: single nucleotide variant.
Coding change: c.2726G>A on transcript NM_020975.6 (MANE Select); coding-DNA position 2726, G replaced by A.
Protein change: p.Ser909Asn; replaces serine 909 with asparagine.
Molecular consequence: missense variant.
Genome position (GRCh38, 1-based): chr10:43,120,199, G>A. VCF-style: chr10-43120199-G-A. GRCh37 (hg19) VCF-style: chr10-43615647-G-A.
Other names: c.1964G>A, p.Ser655Asn (NM_001355216.2); c.2726G>A, p.Ser909Asn (NM_001406743.1, NM_001406744.1, NM_001406759.1 and 2 more transcripts); c.2438G>A, p.Ser813Asn (NM_001406770.1, NM_001406766.1, NM_001406767.1); c.2288G>A, p.Ser763Asn (NM_001406771.1, NM_001406773.1); c.2330G>A, p.Ser777Asn (NM_001406772.1, NM_001406769.1); c.2201G>A, p.Ser734Asn (NM_001406774.1); c.2000G>A, p.Ser667Asn (NM_001406775.1, NM_001406776.1, NM_001406777.1 and 1 more transcripts); c.1541G>A, p.Ser514Asn (NM_001406789.1, NM_001406790.1, NM_001406788.1); and 10 more; short protein forms S567N, S667N, S734N, S763N, S777N, S821N, S864N, S514N.
Identifiers: ClinVar variation 4825616 (VCV004825616.1).

ClinVar aggregate classification (germline): Uncertain significance (1 of 4 stars; one submission).

Conditions:
Hereditary cancer-predisposing syndrome. Also called: Neoplastic Syndromes, Hereditary; Tumor predisposition; Hereditary Cancer Syndrome; Hereditary neoplastic syndrome. Identifiers: Orphanet 140162, MedGen C0027672, MeSH D009386, MONDO:0015356.

Submission:

Ambry Genetics
Classification: Uncertain significance for Hereditary cancer-predisposing syndrome. Last evaluated: 2026-01-16. Review status: criteria provided, single submitter. Criteria: Ambry Variant Classification Scheme 2023. Collection method: clinical testing. Allele origin: germline.
Comment: The p.S909N variant (also known as c.2726G>A), located in coding exon 15 of the RET gene, results from a G to A substitution at nucleotide position 2726. The serine at codon 909 is replaced by asparagine, an amino acid with highly similar properties. This amino acid position is highly conserved in available vertebrate species. In addition, the in silico prediction for this alteration is inconclusive. Based on the available evidence, the clinical significance of this variant remains unclear.